The following is an entry in ClinVar:

NM_130468.4(CHST14):c.597dup (p.Arg200fs)

Gene: CHST14 (carbohydrate sulfotransferase 14; plus strand). Cytogenetic location: 15q15.1.
Variant type: Duplication.
Coding change: c.597dup on transcript NM_130468.4 (MANE Select); coding-DNA position 597, one base duplicated (T; older notation c.597dupT).
Protein change: p.Arg200fs; shifts the reading frame from arginine 200.
Molecular consequence: frameshift variant.
Genome position (GRCh38, 1-based): chr15:40,471,810, T duplicated; the last of 2 consecutive T bases (chr15:40,471,809-40,471,810); duplicating either gives the same sequence. VCF-style (leftmost placement, unchanged base first): chr15-40471808-A-AT. GRCh37 (hg19) VCF-style: chr15-40764007-A-AT.
Other names: short protein forms R200fs.
Identifiers: ClinVar variation 4777340 (VCV004777340.1).

ClinVar aggregate classification (germline): Pathogenic (1 of 4 stars; one submission).

Conditions:
Ehlers-Danlos syndrome, musculocontractural type (EDSMC). Also called: Adducted thumb, clubfoot, progressive joint and skin laxity syndrome; DUNDAR SYNDROME; ADDUCTED THUMB-CLUBFOOT SYNDROME; ARTHROGRYPOSIS, DISTAL, WITH PECULIAR FACIES AND HYDRONEPHROSIS. Identifiers: Orphanet 2953, MedGen C1866294, MONDO:0011142.

Submission:

Labcorp Genetics (formerly Invitae), Labcorp
Classification: Pathogenic for Ehlers-Danlos syndrome, musculocontractural type. Last evaluated: 2025-11-21. Review status: criteria provided, single submitter. Criteria: Invitae Variant Classification Sherloc (09022015). Collection method: clinical testing. Allele origin: germline.
Comment: This sequence change creates a premature translational stop signal (p.Arg200Serfs*9) in the CHST14 gene. While this is not anticipated to result in nonsense mediated decay, it is expected to disrupt the last 177 amino acid(s) of the CHST14 protein. This variant is not present in population databases (gnomAD no frequency). This variant has not been reported in the literature in individuals affected with CHST14-related conditions. This variant disrupts a region of the CHST14 protein in which other variant(s) (p.Tyr293Cys) have been determined to be pathogenic (PMID: 10766984, 20004762, 20533528, 21744491). This suggests that this is a clinically significant region of the protein, and that variants that disrupt it are likely to be disease-causing. For these reasons, this variant has been classified as Pathogenic.

Literature cited by the submitters: PubMed 10766984; PubMed 20004762; PubMed 20533528; PubMed 21744491.